The following is an entry in ClinVar:

NM_001042492.3(NF1):c.1347A>C (p.Lys449Asn)

Gene: NF1 (neurofibromin 1; plus strand). Cytogenetic location: 17q11.2.
Variant type: single nucleotide variant.
Coding change: c.1347A>C on transcript NM_001042492.3 (MANE Select); coding-DNA position 1347, A replaced by C.
Protein change: p.Lys449Asn; replaces lysine 449 with asparagine.
Molecular consequence: missense variant.
Genome position (GRCh38, 1-based): chr17:31,206,326, A>C. VCF-style: chr17-31206326-A-C. GRCh37 (hg19) VCF-style: chr17-29533344-A-C.
Other names: c.1347A>C, p.Lys449Asn (NM_000267.4, NM_001128147.3); short protein forms K449N.
Identifiers: ClinVar variation 1055071 (VCV001055071.7), dbSNP rs2143914827, ClinGen allele CA398999607.

ClinVar aggregate classification (germline): Uncertain significance. Review status: criteria provided, multiple submitters, no conflicts (2 of 4 stars). 2 submissions from 2 submitters: Uncertain significance (2). Last evaluated 2023-10-13.

Conditions:
Cardiovascular phenotype. Identifiers: MedGen CN230736.
Hereditary cancer-predisposing syndrome. Also called: Hereditary Cancer Syndrome; Tumor predisposition; Hereditary neoplastic syndrome; Neoplastic Syndromes, Hereditary. Identifiers: Orphanet 140162, MedGen C0027672, MeSH D009386, MONDO:0015356.
Neurofibromatosis, type 1 (NF1). Also called: Peripheral type neurofibromatosis; Neurofibromatosis, type I; VON RECKLINGHAUSEN DISEASE; NEUROFIBROMATOSIS, TYPE I, SOMATIC. Identifiers: Orphanet 636, MedGen C0027831, MONDO:0018975, OMIM 162200. Disease mechanism: loss of function.

Submissions (2):

Labcorp Genetics (formerly Invitae), Labcorp
Classification: Uncertain significance for Neurofibromatosis, type 1. Last evaluated: 2023-10-13. Review status: criteria provided, single submitter. Criteria: Invitae Variant Classification Sherloc (09022015). Collection method: clinical testing. Allele origin: germline.
Comment: This sequence change replaces lysine, which is basic and polar, with asparagine, which is neutral and polar, at codon 449 of the NF1 protein (p.Lys449Asn). This variant is not present in population databases (gnomAD no frequency). This variant has not been reported in the literature in individuals affected with NF1-related conditions. ClinVar contains an entry for this variant (Variation ID: 1055071). Advanced modeling of protein sequence and biophysical properties (such as structural, functional, and spatial information, amino acid conservation, physicochemical variation, residue mobility, and thermodynamic stability) has been performed at Invitae for this missense variant, however the output from this modeling did not meet the statistical confidence thresholds required to predict the impact of this variant on NF1 protein function. In summary, the available evidence is currently insufficient to determine the role of this variant in disease. Therefore, it has been classified as a Variant of Uncertain Significance.

Ambry Genetics
Classification: Uncertain significance for Cardiovascular phenotype; Hereditary cancer-predisposing syndrome. Last evaluated: 2023-03-09. Review status: criteria provided, single submitter. Criteria: Ambry Variant Classification Scheme 2023. Collection method: clinical testing. Allele origin: germline.
Comment: The p.K449N variant (also known as c.1347A>C), located in coding exon 12 of the NF1 gene, results from an A to C substitution at nucleotide position 1347. The lysine at codon 449 is replaced by asparagine, an amino acid with similar properties. This amino acid position is well conserved in available vertebrate species. In addition, this alteration is predicted to be tolerated by in silico analysis. Since supporting evidence is limited at this time, the clinical significance of this alteration remains unclear.